The following is an entry in ClinVar:

ClinVar aggregate classification (germline): Pathogenic (1 of 4 stars; one submission).

Conditions:
Alpha-N-acetylgalactosaminidase deficiency type 1. Also called: NAGA DEFICIENCY, TYPE I; NEUROAXONAL DYSTROPHY, SCHINDLER TYPE; SCHINDLER DISEASE, TYPE I; ALPHA-N-ACETYLGALACTOSAMINIDASE DEFICIENCY, TYPE I. Identifiers: Orphanet 3137, Orphanet 79279, Orphanet 79281, MedGen C1836544, MONDO:0012221, OMIM 609241.

Allele frequency attached by ClinVar (database versions not stated): gnomAD exomes 0.00001.

Submission:

Labcorp Genetics (formerly Invitae), Labcorp
Classification: Pathogenic for Alpha-N-acetylgalactosaminidase deficiency type 1. Last evaluated: 2023-09-01. Review status: criteria provided, single submitter. Criteria: Invitae Variant Classification Sherloc (09022015). Collection method: clinical testing. Allele origin: germline.
Comment: For these reasons, this variant has been classified as Pathogenic. This variant has not been reported in the literature in individuals affected with NAGA-related conditions. This variant is not present in population databases (gnomAD no frequency). This sequence change creates a premature translational stop signal (p.Tyr119Thrfs*32) in the NAGA gene. It is expected to result in an absent or disrupted protein product. Loss-of-function variants in NAGA are known to be pathogenic (PMID: 8782044, 11251574).

Literature cited by the submitters: PubMed 8782044; PubMed 11251574.

NM_000262.3(NAGA):c.354del (p.Tyr119fs)

Genes: NAGA (alpha-N-acetylgalactosaminidase; minus strand), LOC126863160 (CDK7 strongly-dependent group 2 enhancer GRCh37_chr22:42462918-42464117; plus strand). Cytogenetic location: 22q13.2.
Variant type: Deletion.
Coding change: c.354del on transcript NM_000262.3 (MANE Select); coding-DNA position 354, one base deleted (C; older notation c.354delC).
Protein change: p.Tyr119fs; shifts the reading frame from tyrosine 119.
Molecular consequence: frameshift variant.
Genome position (GRCh38, 1-based): chr22:42,067,261, G deleted on the plus strand (C on the coding strand, the reverse complement: NAGA is on the minus strand). VCF-style (leftmost placement, unchanged base first): chr22-42067260-AG-A. GRCh37 (hg19) VCF-style: chr22-42463264-AG-A.
Other names: c.354del, p.Tyr119fs (NM_001362848.1, NM_001362850.1); short protein forms Y119fs.
Identifiers: ClinVar variation 2716438 (VCV002716438.3), dbSNP rs2519064379, ClinGen allele CA2657022174.
Genomic context (GRCh38, chr22:42,067,260, plus strand): 5'-CCACCTTGTCCAGTGTGGTGCCTGGGTAACCCATGCAGGTGAAGTTGCCCATGTCCGCGT[AG>A]ATACCCAACTTCAGGCCCAGGGAGTGAACCTGTGGGGGTTTGAGGACACAGTGGGCTCAA-3'